The following is an entry in ClinVar:

NM_000038.6(APC):c.5977C>A (p.Pro1993Thr)

Gene: APC (APC regulator of Wnt signaling pathway; plus strand). Cytogenetic location: 5q22.2.
Variant type: single nucleotide variant.
Coding change: c.5977C>A on transcript NM_000038.6 (MANE Select); coding-DNA position 5977, C replaced by A.
Protein change: p.Pro1993Thr; replaces proline 1993 with threonine.
Molecular consequence: missense variant. On other transcripts: non-coding transcript variant (2).
Genome position (GRCh38, 1-based): chr5:112,841,571, C>A. VCF-style: chr5-112841571-C-A. GRCh37 (hg19) VCF-style: chr5-112177268-C-A.
Other names: c.5977C>A, p.Pro1993Thr (NM_001127510.3, NM_001354895.2, NM_001407450.1); c.5923C>A, p.Pro1975Thr (NM_001127511.3); c.6031C>A, p.Pro2011Thr (NM_001354896.2, NM_001407447.1, NM_001407448.1 and 1 more transcripts); c.6007C>A, p.Pro2003Thr (NM_001354897.2); c.5902C>A, p.Pro1968Thr (NM_001354898.2); c.5893C>A, p.Pro1965Thr (NM_001354899.2); c.5854C>A, p.Pro1952Thr (NM_001354900.2); c.5800C>A, p.Pro1934Thr (NM_001354901.2, NM_001407453.1); and 11 more; short protein forms P1833T, P1934T, P1965T, P2003T, P2011T, P1710T, P1910T, P1952T.
Identifiers: ClinVar variation 3929580 (VCV003929580.1).

ClinVar aggregate classification (germline): Uncertain significance (1 of 4 stars; one submission).

Conditions:
Hereditary cancer-predisposing syndrome. Also called: Hereditary Cancer Syndrome; Hereditary neoplastic syndrome; Neoplastic Syndromes, Hereditary; Tumor predisposition. Identifiers: Orphanet 140162, MedGen C0027672, MeSH D009386, MONDO:0015356.

gnomAD v4.1: 1 of 1,613,940 alleles (0.000062%); highest among the groups gnomAD compares: Non-Finnish European, 0.000085%; no homozygotes.

Submission:

Ambry Genetics
Classification: Uncertain significance for Hereditary cancer-predisposing syndrome. Last evaluated: 2025-05-21. Review status: criteria provided, single submitter. Criteria: Ambry Variant Classification Scheme 2023. Collection method: clinical testing. Allele origin: germline.
Comment: The p.P1993T variant (also known as c.5977C>A), located in coding exon 15 of the APC gene, results from a C to A substitution at nucleotide position 5977. The proline at codon 1993 is replaced by threonine, an amino acid with highly similar properties. This amino acid position is conserved. In addition, in silico predictors for this gene do not accurately predict pathogenicity. Based on the available evidence, the clinical significance of this variant remains unclear.